The following is an entry in ClinVar:

NM_024757.5(EHMT1):c.2970G>T (p.Gln990His)

Gene: EHMT1 (euchromatic histone lysine methyltransferase 1; plus strand). Cytogenetic location: 9q34.3.
Variant type: single nucleotide variant.
Coding change: c.2970G>T on transcript NM_024757.5 (MANE Select); coding-DNA position 2970, G replaced by T.
Protein change: p.Gln990His; replaces glutamine 990 with histidine.
Molecular consequence: missense variant.
Genome position (GRCh38, 1-based): chr9:137,813,108, G>T. VCF-style: chr9-137813108-G-T. GRCh37 (hg19) VCF-style: chr9-140707560-G-T.
Other names: c.2949G>T, p.Gln983His (NM_001354263.2); short protein forms Q990H, Q983H.
Identifiers: ClinVar variation 285020 (VCV000285020.45), dbSNP rs143669310, ClinGen allele CA5375117.

ClinVar aggregate classification (germline): Benign/Likely benign. Review status: criteria provided, multiple submitters, no conflicts (2 of 4 stars). 7 submissions from 7 submitters: Benign (4); Likely benign (2). 1 of the submissions does not count toward it. Last evaluated 2026-02-03.

Conditions:
EHMT1-related disorder. Also called: EHMT1-related condition.
Inborn genetic diseases. Identifiers: MedGen C0950123, MeSH D030342.
Kleefstra syndrome 1 (KLEFS1). Identifiers: Orphanet 261494, MedGen C0795833, MONDO:0027407, OMIM 610253.

Allele frequency attached by ClinVar (database versions not stated): gnomAD 0.00018 and 0.00026; TOPMed 0.00034; gnomAD exomes 0.00037 and 0.00081; ExAC 0.00071; 1000 Genomes Project 30x 0.00109; 1000 Genomes Project 0.00140.
gnomAD v4.1: 635 of 1,613,392 alleles (0.039%); highest among the groups gnomAD compares: East Asian, 1.2%; 6 homozygotes.

Submissions (7):

Labcorp Genetics (formerly Invitae), Labcorp
Classification: Benign for Kleefstra syndrome 1. Last evaluated: 2026-02-03. Review status: criteria provided, single submitter. Criteria: Invitae Variant Classification Sherloc (09022015). Collection method: clinical testing. Allele origin: germline.

Blueprint Genetics
Classification: Likely benign. Last evaluated: 2024-10-23. Review status: criteria provided, single submitter. Criteria: ACMG Guidelines, 2015. Collection method: clinical testing. Allele origin: germline.

CeGaT Center for Human Genetics Tuebingen
Classification: Likely benign. Last evaluated: 2023-03-01. Review status: criteria provided, single submitter. Criteria: CeGaT Center For Human Genetics Tuebingen Variant Classification Criteria Version 2. Collection method: clinical testing. Allele origin: germline. Affected: yes. Observed: 1 variant allele.
Comment: EHMT1: BP4, BS1

GeneDx
Classification: Benign. Last evaluated: 2019-11-11. Review status: criteria provided, single submitter. Criteria: GeneDx Variant Classification Process June 2021. Collection method: clinical testing. Allele origin: germline. Affected: yes.

Ambry Genetics
Classification: Benign for Inborn genetic diseases. Last evaluated: 2018-02-06. Review status: criteria provided, single submitter. Criteria: Ambry Variant Classification Scheme 2023. Collection method: clinical testing. Allele origin: germline.

Eurofins Ntd Llc (ga)
Classification: Benign. Last evaluated: 2015-12-04. Review status: criteria provided, single submitter. Criteria: EGL Classification Definitions 2015. Collection method: clinical testing. Allele origin: germline. Observed: 1 variant allele, 1 heterozygote.

PreventionGenetics, part of Exact Sciences
Classification: Benign for EHMT1-related condition. Last evaluated: 2019-08-14. Review status: no assertion criteria provided. Collection method: clinical testing. Allele origin: germline. Not counted in ClinVar's aggregate classification.
Comment: This variant is classified as benign based on ACMG/AMP sequence variant interpretation guidelines (Richards et al. 2015 PMID: 25741868, with internal and published modifications).